The following is an entry in ClinVar:

ClinVar aggregate classification (germline): Conflicting classifications of pathogenicity. Review status: criteria provided, conflicting classifications (1 of 4 stars). 2 submissions from 2 submitters: Uncertain significance (1); Likely benign (1). Last evaluated 2026-04-23.

Conditions:
Inborn genetic diseases. Identifiers: MedGen C0950123, MeSH D030342.

Submissions (2):

Ambry Genetics
Classification: Likely benign for Inborn genetic diseases. Last evaluated: 2026-04-23. Review status: criteria provided, single submitter. Criteria: Ambry Variant Classification Scheme 2023. Collection method: clinical testing. Allele origin: germline.

Labcorp Genetics (formerly Invitae), Labcorp
Classification: Uncertain significance. Last evaluated: 2025-01-29. Review status: criteria provided, single submitter. Criteria: Invitae Variant Classification Sherloc (09022015). Collection method: clinical testing. Allele origin: germline.
Comment: This sequence change affects codon 89 of the MBD4 mRNA. It is a 'silent' change, meaning that it does not change the encoded amino acid sequence of the MBD4 protein. This variant is not present in population databases (gnomAD no frequency). This variant has not been reported in the literature in individuals affected with MBD4-related conditions. Algorithms developed to predict the effect of sequence changes on RNA splicing suggest that this variant may disrupt the consensus splice site. In summary, the available evidence is currently insufficient to determine the role of this variant in disease. Therefore, it has been classified as a Variant of Uncertain Significance.

NM_001276270.2(MBD4):c.267A>T (p.Gly89=)

Gene: MBD4 (methyl-CpG binding domain 4, DNA glycosylase; minus strand). Cytogenetic location: 3q21.3.
Variant type: single nucleotide variant.
Coding change: c.267A>T on transcript NM_001276270.2 (MANE Select); coding-DNA position 267, A replaced by T.
Protein change: p.Gly89=; no amino-acid change (glycine 89 retained).
Molecular consequence: synonymous variant. On other transcripts: intron variant (1).
Genome position (GRCh38, 1-based): chr3:129,437,788, T>A on the plus strand (A>T on the coding strand, the complement: MBD4 is on the minus strand). VCF-style: chr3-129437788-T-A. GRCh37 (hg19) VCF-style: chr3-129156631-T-A.
Other names: c.247+20A>T (NM_001276273.2); c.267A>T, p.Gly89= (NM_001276271.2, NM_001276272.2, NM_003925.3).
Identifiers: ClinVar variation 3729760 (VCV003729760.3).
Genomic context (GRCh38, chr3:129,437,788, plus strand): 5'-GTACACATCAAATCTTCCTGCTGTCTTCCCAAATAACCTTTGCTTCACAACTCTTTCCCA[T>A]CCACATGGGACAGACTTACGGCATTCTGTTCCTGCAGTAGCACCAAACTGAGCAGAAGCG-3'
Protein context (NP_001263199.1, residues 79-99): GTECRKSVPC[Gly89=]WERVVKQRLF